The following is an entry in ClinVar:

ClinVar aggregate classification (germline): Uncertain significance (1 of 4 stars; one submission).

Conditions:
KBG syndrome (KBGS). Also called: ANKRD11-Related KBG Syndrome. Identifiers: Orphanet 2332, MedGen C0220687, MONDO:0007846, OMIM 148050.

Submission:

Labcorp Genetics (formerly Invitae), Labcorp
Classification: Uncertain significance for KBG syndrome. Last evaluated: 2024-08-29. Review status: criteria provided, single submitter. Criteria: Invitae Variant Classification Sherloc (09022015). Collection method: clinical testing. Allele origin: germline.
Comment: This sequence change replaces serine, which is neutral and polar, with cysteine, which is neutral and slightly polar, at codon 311 of the ANKRD11 protein (p.Ser311Cys). This variant is not present in population databases (gnomAD no frequency). This variant has not been reported in the literature in individuals affected with ANKRD11-related conditions. Invitae Evidence Modeling of protein sequence and biophysical properties (such as structural, functional, and spatial information, amino acid conservation, physicochemical variation, residue mobility, and thermodynamic stability) indicates that this missense variant is not expected to disrupt ANKRD11 protein function with a negative predictive value of 95%. In summary, the available evidence is currently insufficient to determine the role of this variant in disease. Therefore, it has been classified as a Variant of Uncertain Significance.

NM_013275.6(ANKRD11):c.932C>G (p.Ser311Cys)

Gene: ANKRD11 (ankyrin repeat domain 11; minus strand). Cytogenetic location: 16q24.3.
Variant type: single nucleotide variant.
Coding change: c.932C>G on transcript NM_013275.6 (MANE Select); coding-DNA position 932, C replaced by G.
Protein change: p.Ser311Cys; replaces serine 311 with cysteine.
Molecular consequence: missense variant.
Genome position (GRCh38, 1-based): chr16:89,285,610, G>C on the plus strand (C>G on the coding strand, the complement: ANKRD11 is on the minus strand). VCF-style: chr16-89285610-G-C. GRCh37 (hg19) VCF-style: chr16-89352018-G-C.
Other names: c.932C>G, p.Ser311Cys (NM_001256182.2, NM_001256183.2); short protein forms S311C.
Identifiers: ClinVar variation 3684546 (VCV003684546.2).
Genomic context (GRCh38, chr16:89,285,610, plus strand): 5'-GCCTTGTGCTTGAGGCCTTTTTCGAACTCGGAGTCCGTGTTGTTGCCGTCGACTGAACTG[G>C]AAGGTGCGAAGGATGGTGCGTCTTCCTCTTCTGAGCTCTCTGTTGGAGGTAGGAAGCGAG-3'
Protein context (NP_037407.4, residues 301-321): EEEDAPSFAP[Ser311Cys]SSVDGNNTDS